The following is an entry in ClinVar:

NM_020911.2(PLXNA4):c.3414C>G (p.Tyr1138Ter)

Gene: PLXNA4 (plexin A4; minus strand). Cytogenetic location: 7q32.3.
Variant type: single nucleotide variant.
Coding change: c.3414C>G on transcript NM_020911.2 (MANE Select); coding-DNA position 3414, C replaced by G.
Protein change: p.Tyr1138Ter; replaces tyrosine 1138 with a stop codon.
Molecular consequence: nonsense.
Genome position (GRCh38, 1-based): chr7:132,181,459, G>C on the plus strand (C>G on the coding strand, the complement: PLXNA4 is on the minus strand). VCF-style: chr7-132181459-G-C. GRCh37 (hg19) VCF-style: chr7-131866218-G-C.
Other names: c.3414C>G, p.Tyr1138Ter (NM_001393897.1); short protein forms Y1138*.
Identifiers: ClinVar variation 4996488 (VCV004996488.1).

ClinVar aggregate classification (germline): Uncertain significance (1 of 4 stars; one submission).

Conditions:
PLXNA4-related disorder. Also called: PLXNA4-related condition.

Submission:

PreventionGenetics, part of Exact Sciences
Classification: Uncertain significance for PLXNA4-related condition. Last evaluated: 2025-10-07. Review status: criteria provided, single submitter. Criteria: ACMG Guidelines, 2015. Collection method: clinical testing. Allele origin: germline.
Comment: The PLXNA4 c.3414C>G variant is predicted to result in premature protein termination (p.Tyr1138*). To our knowledge, this variant has not been reported in the literature or in a large population database (gnomAD), indicating this variant is rare. Loss of function is not an established mechanism of PLXNA4-related disease. At this time, the clinical significance of this variant is uncertain due to the absence of conclusive functional and genetic evidence.